The following is an entry in ClinVar:

ClinVar aggregate classification (germline): Uncertain significance. Review status: criteria provided, multiple submitters, no conflicts (2 of 4 stars). 2 submissions from 2 submitters: Uncertain significance (2). Last evaluated 2025-11-05.

Conditions:
Inborn genetic diseases. Identifiers: MedGen C0950123, MeSH D030342.
Aortic valve disease 2 (AOVD2). Identifiers: MedGen C3542024, MONDO:0013902, OMIM 614823.

Allele frequency attached by ClinVar (database versions not stated): gnomAD exomes below 0.00001 and 0.00001; ExAC 0.00002.
gnomAD v4.1: 3 of 1,583,712 alleles (0.00019%); highest among the groups gnomAD compares: Admixed American, 0.0051%; no homozygotes.

Submissions (2):

Ambry Genetics
Classification: Uncertain significance for Inborn genetic diseases. Last evaluated: 2025-11-05. Review status: criteria provided, single submitter. Criteria: Ambry Variant Classification Scheme 2023. Collection method: clinical testing. Allele origin: germline.

Labcorp Genetics (formerly Invitae), Labcorp
Classification: Uncertain significance for Aortic valve disease 2. Last evaluated: 2022-12-06. Review status: criteria provided, single submitter. Criteria: Invitae Variant Classification Sherloc (09022015). Collection method: clinical testing. Allele origin: germline.
Comment: In summary, the available evidence is currently insufficient to determine the role of this variant in disease. Therefore, it has been classified as a Variant of Uncertain Significance. Advanced modeling of protein sequence and biophysical properties (such as structural, functional, and spatial information, amino acid conservation, physicochemical variation, residue mobility, and thermodynamic stability) performed at Invitae indicates that this missense variant is not expected to disrupt SMAD6 protein function. ClinVar contains an entry for this variant (Variation ID: 1020663). This variant has not been reported in the literature in individuals affected with SMAD6-related conditions. This variant is present in population databases (rs747009304, gnomAD 0.003%). This sequence change replaces threonine, which is neutral and polar, with alanine, which is neutral and non-polar, at codon 326 of the SMAD6 protein (p.Thr326Ala).

NM_005585.5(SMAD6):c.976A>G (p.Thr326Ala)

Gene: SMAD6 (SMAD family member 6; plus strand). Cytogenetic location: 15q22.31.
Variant type: single nucleotide variant.
Coding change: c.976A>G on transcript NM_005585.5 (MANE Select); coding-DNA position 976, A replaced by G.
Protein change: p.Thr326Ala; replaces threonine 326 with alanine.
Molecular consequence: missense variant. On other transcripts: non-coding transcript variant (1).
Genome position (GRCh38, 1-based): chr15:66,781,020, A>G. VCF-style: chr15-66781020-A-G. GRCh37 (hg19) VCF-style: chr15-67073358-A-G.
Other names: c.976A>G (NM_005585.4); short protein forms T326A.
Identifiers: ClinVar variation 1020663 (VCV001020663.9), dbSNP rs747009304, ClinGen allele CA7626699.